The following is an entry in ClinVar:

ClinVar aggregate classification (germline): Uncertain significance (1 of 4 stars; one submission).

Conditions:
Cardiovascular phenotype. Identifiers: MedGen CN230736.

gnomAD v4.1: 10 of 1,609,752 alleles (0.00062%); highest among the groups gnomAD compares: Non-Finnish European, 0.00085%; no homozygotes.

Submission:

Ambry Genetics
Classification: Uncertain significance for Cardiovascular phenotype. Last evaluated: 2024-09-15. Review status: criteria provided, single submitter. Criteria: Ambry Variant Classification Scheme 2023. Collection method: clinical testing. Allele origin: germline.
Comment: The p.W574R variant (also known as c.1720T>C), located in coding exon 13 of the ABCA1 gene, results from a T to C substitution at nucleotide position 1720. The tryptophan at codon 574 is replaced by arginine, an amino acid with dissimilar properties. This amino acid position is conserved. In addition, this alteration is predicted to be deleterious by in silico analysis. Based on the available evidence, the clinical significance of this variant remains unclear.

NM_005502.4(ABCA1):c.1720T>C (p.Trp574Arg)

Gene: ABCA1 (ATP binding cassette subfamily A member 1; minus strand). Cytogenetic location: 9q31.1.
Variant type: single nucleotide variant.
Coding change: c.1720T>C on transcript NM_005502.4 (MANE Select); coding-DNA position 1720, T replaced by C.
Protein change: p.Trp574Arg; replaces tryptophan 574 with arginine.
Molecular consequence: missense variant.
Genome position (GRCh38, 1-based): chr9:104,831,097, A>G on the plus strand (T>C on the coding strand, the complement: ABCA1 is on the minus strand). VCF-style: chr9-104831097-A-G. GRCh37 (hg19) VCF-style: chr9-107593378-A-G.
Other names: short protein forms W574R.
Identifiers: ClinVar variation 3492533 (VCV003492533.1).